The following is an entry in ClinVar:

NM_014956.5(CEP164):c.3209T>C (p.Leu1070Pro)

Gene: CEP164 (centrosomal protein 164; plus strand). Cytogenetic location: 11q23.3.
Variant type: single nucleotide variant.
Coding change: c.3209T>C on transcript NM_014956.5 (MANE Select); coding-DNA position 3209, T replaced by C.
Protein change: p.Leu1070Pro; replaces leucine 1070 with proline.
Molecular consequence: missense variant.
Genome position (GRCh38, 1-based): chr11:117,396,173, T>C. VCF-style: chr11-117396173-T-C. GRCh37 (hg19) VCF-style: chr11-117266889-T-C.
Other names: c.3218T>C, p.Leu1073Pro (NM_001271933.2); c.3215T>C, p.Leu1072Pro (NM_001440949.1); c.3209T>C, p.Leu1070Pro (NM_001440950.1, NM_001440951.1, NM_001440953.1); c.3041T>C, p.Leu1014Pro (NM_001440952.1, NM_001440969.1); c.3131T>C, p.Leu1044Pro (NM_001440954.1, NM_001440955.1, NM_001440958.1 and 1 more transcripts); c.3122T>C, p.Leu1041Pro (NM_001440956.1); c.3119T>C, p.Leu1040Pro (NM_001440957.1); c.3080T>C, p.Leu1027Pro (NM_001440960.1); and 13 more; short protein forms L1014P, L1020P, L1027P, L1044P, L945P, L951P, L994P, L1000P.
Identifiers: ClinVar variation 4986767 (VCV004986767.1).
Genomic context (GRCh38, chr11:117,396,173, plus strand): 5'-AAAATAATGCTTCCCCACATTTTGAGCCAGATCTCCATATTGAGGACCTGAGGAAATCCC[T>C]TGGAACAGTGAGCTGGGGGCTGGGGCCTGGGGGCTGGGGCACCAGGATGGTGTGGGGCAT-3'
Protein context (NP_055771.4, residues 1060-1080): DLHIEDLRKS[Leu1070Pro]GTNQTKEVSS

ClinVar aggregate classification (germline): Uncertain significance (1 of 4 stars; one submission).

Conditions:
CEP164-related disorder. Also called: CEP164-related condition.

gnomAD v4.1: 4 of 1,612,836 alleles (0.00025%); highest among the groups gnomAD compares: African/African-American, 0.0027%; no homozygotes.

Submission:

PreventionGenetics, part of Exact Sciences
Classification: Uncertain significance for CEP164-related condition. Last evaluated: 2024-11-22. Review status: criteria provided, single submitter. Criteria: ACMG Guidelines, 2015. Collection method: clinical testing. Allele origin: germline.
Comment: The CEP164 c.3209T>C variant is predicted to result in the amino acid substitution p.Leu1070Pro. To our knowledge, this variant has not been reported in the literature or in a large population database (gnomAD), indicating this variant is rare. At this time, the clinical significance of this variant is uncertain due to the absence of conclusive functional and genetic evidence.